The following is an entry in ClinVar:

ClinVar aggregate classification (germline): Uncertain significance (1 of 4 stars; one submission).

Conditions:
Congenital primary aphakia. Also called: Anterior segment dysgenesis 2, multiple subtypes; ANTERIOR SEGMENT DYSGENESIS 2. Identifiers: Orphanet 83461, MedGen C1853230, MONDO:0012456, OMIM 610256.
Anterior segment dysgenesis. Also called: Ocular anterior segment dysgenesis. Identifiers: Orphanet 88632, MedGen C1862839, MONDO:0019503, HP:0007700.

Submission:

Labcorp Genetics (formerly Invitae), Labcorp
Classification: Uncertain significance for Anterior segment dysgenesis; Congenital primary aphakia. Last evaluated: 2025-07-16. Review status: criteria provided, single submitter. Criteria: Invitae Variant Classification Sherloc (09022015). Collection method: clinical testing. Allele origin: germline.
Comment: This sequence change replaces proline, which is neutral and non-polar, with histidine, which is basic and polar, at codon 210 of the FOXE3 protein (p.Pro210His). This variant is not present in population databases (gnomAD no frequency). This variant has not been reported in the literature in individuals affected with FOXE3-related conditions. ClinVar contains an entry for this variant (Variation ID: 3758393). Invitae Evidence Modeling of protein sequence and biophysical properties (such as structural, functional, and spatial information, amino acid conservation, physicochemical variation, residue mobility, and thermodynamic stability) indicates that this missense variant is not expected to disrupt FOXE3 protein function with a negative predictive value of 80%. In summary, the available evidence is currently insufficient to determine the role of this variant in disease. Therefore, it has been classified as a Variant of Uncertain Significance.

NM_012186.3(FOXE3):c.629C>A (p.Pro210His)

Genes: FOXE3 (forkhead box E3; plus strand), LINC01389 (long independently transcribed non-coding RNA 1389; minus strand). Cytogenetic location: 1p33.
Variant type: single nucleotide variant.
Coding change: c.629C>A on transcript NM_012186.3 (MANE Select); coding-DNA position 629, C replaced by A.
Protein change: p.Pro210His; replaces proline 210 with histidine.
Molecular consequence: missense variant.
Genome position (GRCh38, 1-based): chr1:47,416,944, C>A. VCF-style: chr1-47416944-C-A. GRCh37 (hg19) VCF-style: chr1-47882616-C-A.
Other names: short protein forms P210H.
Identifiers: ClinVar variation 3758393 (VCV003758393.2).
Genomic context (GRCh38, chr1:47,416,944, plus strand): 5'-CCTACGCGCCCGCGCCCGGCCCCGCGCTGCTGGTGCCGCCGCCTTCTGCCGGACCGGGCC[C>A]CTCGCCGCCCGCGCGTCTGTTCAGCGTCGACAGCCTGGTGAACCTGCAGCCGGAGCTAGC-3'
Protein context (NP_036318.1, residues 200-220): LVPPPSAGPG[Pro210His]SPPARLFSVD